The following is an entry in ClinVar:

NM_002055.5(GFAP):c.618+1G>T

Gene: GFAP (glial fibrillary acidic protein; minus strand). Cytogenetic location: 17q21.31.
Variant type: single nucleotide variant.
Coding change: c.618+1G>T on transcript NM_002055.5 (MANE Select); the canonical splice donor site of the intron after coding-DNA position 618, G replaced by T.
Molecular consequence: splice donor variant.
Genome position (GRCh38, 1-based): chr17:44,913,727, C>A on the plus strand (G>T on the coding strand, the complement: GFAP is on the minus strand). VCF-style: chr17-44913727-C-A. GRCh37 (hg19) VCF-style: chr17-42991095-C-A.
Other names: c.618+1G>T (NM_001363846.2, NM_001131019.3, NM_001242376.3).
Identifiers: ClinVar variation 3906338 (VCV003906338.1).

ClinVar aggregate classification (germline): Uncertain significance (1 of 4 stars; one submission).

Submission:

GeneDx
Classification: Uncertain significance. Last evaluated: 2024-12-18. Review status: criteria provided, single submitter. Criteria: GeneDx Variant Classification Process June 2021. Collection method: clinical testing. Allele origin: germline. Affected: yes.
Comment: Not observed at significant frequency in large population cohorts (gnomAD); Has not been previously published as pathogenic or benign to our knowledge; Canonical splice site variant in a gene for which loss-of-function is not a known mechanism of disease